The following is an entry in ClinVar:

NM_004706.4(ARHGEF1):c.1730A>G (p.Gln577Arg)

Gene: ARHGEF1 (Rho guanine nucleotide exchange factor 1; plus strand). Cytogenetic location: 19q13.2.
Variant type: single nucleotide variant.
Coding change: c.1730A>G on transcript NM_004706.4 (MANE Select); coding-DNA position 1730, A replaced by G.
Protein change: p.Gln577Arg; replaces glutamine 577 with arginine.
Molecular consequence: missense variant. On other transcripts: non-coding transcript variant (2).
Genome position (GRCh38, 1-based): chr19:41,902,890, A>G. VCF-style: chr19-41902890-A-G. GRCh37 (hg19) VCF-style: chr19-42407040-A-G.
Other names: c.1898A>G, p.Gln633Arg (NM_001396000.1); c.1631A>G, p.Gln544Arg (NM_001396002.1, NM_001396004.1, NM_198977.2); c.1730A>G, p.Gln577Arg (NM_001396003.1, NM_001396006.1); c.1775A>G, p.Gln592Arg (NM_199002.2); short protein forms Q544R, Q592R, Q577R, Q633R.
Identifiers: ClinVar variation 2986542 (VCV002986542.4), dbSNP rs781992090, ClinGen allele CA9466445.
Genomic context (GRCh38, chr19:41,902,890, plus strand): 5'-TGATCCCCACGGAGATGCAGCGGCTGACCAAGTACCCCCTGCTCCTGCAGAGCATCGGGC[A>G]GAACACAGGTACCGCGGGCCTGGATCTCTGGGCCTCGGCTCTCCTCTTTTTTTTTTACAT-3'
Protein context (NP_004697.2, residues 567-587): KYPLLLQSIG[Gln577Arg]NTEEPTEREK

ClinVar aggregate classification (germline): Uncertain significance. Review status: criteria provided, multiple submitters, no conflicts (2 of 4 stars). 2 submissions from 2 submitters: Uncertain significance (2). Last evaluated 2023-09-05.

Allele frequency attached by ClinVar (database versions not stated): ExAC 0.00001; gnomAD 0.00001; gnomAD exomes 0.00001; TOPMed 0.00002.
gnomAD v4.1: 4 of 1,602,444 alleles (0.00025%); highest among the groups gnomAD compares: Non-Finnish European, 0.00034%; no homozygotes.

Submissions (2):

Blueprint Genetics
Classification: Uncertain significance. Last evaluated: 2023-09-05. Review status: criteria provided, single submitter. Criteria: ACMG Guidelines, 2015. Collection method: clinical testing. Allele origin: germline.

Labcorp Genetics (formerly Invitae), Labcorp
Classification: Uncertain significance. Last evaluated: 2022-12-14. Review status: criteria provided, single submitter. Criteria: Invitae Variant Classification Sherloc (09022015). Collection method: clinical testing. Allele origin: germline.
Comment: This sequence change replaces glutamine, which is neutral and polar, with arginine, which is basic and polar, at codon 592 of the ARHGEF1 protein (p.Gln592Arg). This variant is present in population databases (rs781992090, gnomAD 0.003%). This variant has not been reported in the literature in individuals affected with ARHGEF1-related conditions. Algorithms developed to predict the effect of missense changes on protein structure and function are either unavailable or do not agree on the potential impact of this missense change (SIFT: "Deleterious"; PolyPhen-2: "Benign"; Align-GVGD: "Class C0"). In summary, the available evidence is currently insufficient to determine the role of this variant in disease. Therefore, it has been classified as a Variant of Uncertain Significance.